The following is an entry in ClinVar:

NM_000834.5(GRIN2B):c.2827C>T (p.His943Tyr)

Gene: GRIN2B (glutamate ionotropic receptor NMDA type subunit 2B; minus strand). Cytogenetic location: 12p13.1.
Variant type: single nucleotide variant.
Coding change: c.2827C>T on transcript NM_000834.5 (MANE Select); coding-DNA position 2827, C replaced by T.
Protein change: p.His943Tyr; replaces histidine 943 with tyrosine.
Molecular consequence: missense variant.
Genome position (GRCh38, 1-based): chr12:13,564,411, G>A on the plus strand (C>T on the coding strand, the complement: GRIN2B is on the minus strand). VCF-style: chr12-13564411-G-A. GRCh37 (hg19) VCF-style: chr12-13717345-G-A.
Other names: c.2827C>T, p.His943Tyr (NM_001413992.1); short protein forms H943Y.
Identifiers: ClinVar variation 3369990 (VCV003369990.1).

ClinVar aggregate classification (germline): Uncertain significance (1 of 4 stars; one submission).

Submission:

GeneDx
Classification: Uncertain significance. Last evaluated: 2023-12-26. Review status: criteria provided, single submitter. Criteria: GeneDx Variant Classification Process June 2021. Collection method: clinical testing. Allele origin: germline. Affected: yes.
Comment: Not observed at significant frequency in large population cohorts (gnomAD); In silico analysis supports that this missense variant has a deleterious effect on protein structure/function; Has not been previously published as pathogenic or benign to our knowledge